The following is an entry in ClinVar:

NM_006514.4(SCN10A):c.3884del (p.Phe1295fs)

Gene: SCN10A (sodium voltage-gated channel alpha subunit 10; minus strand). Cytogenetic location: 3p22.2.
Variant type: Deletion.
Coding change: c.3884del on transcript NM_006514.4 (MANE Select); coding-DNA position 3884, one base deleted (T; older notation c.3884delT).
Protein change: p.Phe1295fs; shifts the reading frame from phenylalanine 1295.
Molecular consequence: frameshift variant.
Genome position (GRCh38, 1-based): chr3:38,712,366, A deleted on the plus strand (T on the coding strand, the reverse complement: SCN10A is on the minus strand); the first of 2 consecutive A bases (chr3:38,712,366-38,712,367); deleting either gives the same sequence. VCF-style (leftmost placement, unchanged base first): chr3-38712365-GA-G. GRCh37 (hg19) VCF-style: chr3-38753856-GA-G.
Other names: c.3881del, p.Phe1294fs (NM_001293306.2); c.3590del, p.Phe1197fs (NM_001293307.2); short protein forms F1197fs, F1294fs, F1295fs.
Identifiers: ClinVar variation 1057005 (VCV001057005.7), dbSNP rs2063284404, ClinGen allele CA433334016.

ClinVar aggregate classification (germline): Uncertain significance. Review status: criteria provided, multiple submitters, no conflicts (2 of 4 stars). 2 submissions from 2 submitters: Uncertain significance (2). Last evaluated 2022-03-15.

Conditions:
Brugada syndrome. Also called: Sudden unexpected nocturnal death syndrome; Sudden unexplained nocturnal death syndrome; Sudden Unexplained Death Syndrome; Sudden Unexplained Nocturnal Death Syndrome (SUNDS). Identifiers: Orphanet 130, MedGen C1142166, MONDO:0015263.

Submissions (2):

GeneDx
Classification: Uncertain significance. Last evaluated: 2022-03-15. Review status: criteria provided, single submitter. Criteria: GeneDx Variant Classification Process June 2021. Collection method: clinical testing. Allele origin: germline. Affected: yes.
Comment: Not observed at significant frequency in large population cohorts (gnomAD); Frameshift variant predicted to result in protein truncation or nonsense mediated decay in a gene for which loss-of-function is not a known mechanism of disease; Has not been previously published as pathogenic or benign to our knowledge

Labcorp Genetics (formerly Invitae), Labcorp
Classification: Uncertain significance for Brugada syndrome. Last evaluated: 2020-01-28. Review status: criteria provided, single submitter. Criteria: Invitae Variant Classification Sherloc (09022015). Collection method: clinical testing. Allele origin: germline.
Comment: The current clinical and genetic evidence is not sufficient to establish whether loss-of-function variants in SCN10A cause disease. In summary, the available evidence is currently insufficient to determine the role of this variant in disease. Therefore, it has been classified as a Variant of Uncertain Significance. This variant has not been reported in the literature in individuals with SCN10A-related conditions. This variant is not present in population databases (ExAC no frequency). This sequence change creates a premature translational stop signal (p.Phe1295Serfs*6) in the SCN10A gene. It is expected to result in an absent or disrupted protein product.